The following is an entry in ClinVar:

ClinVar aggregate classification (germline): Uncertain significance. Review status: criteria provided, multiple submitters, no conflicts (2 of 4 stars). 2 submissions from 2 submitters: Uncertain significance (2). Last evaluated 2024-02-05.

Allele frequency attached by ClinVar (database versions not stated): gnomAD 0.00001 and 0.00003; TOPMed 0.00002; ExAC 0.00006; gnomAD exomes 0.00006; 1000 Genomes Project 30x 0.00016; 1000 Genomes Project 0.00020.

Submissions (2):

Blueprint Genetics
Classification: Uncertain significance. Last evaluated: 2024-02-05. Review status: criteria provided, single submitter. Criteria: ACMG Guidelines, 2015. Collection method: clinical testing. Allele origin: germline.

Labcorp Genetics (formerly Invitae), Labcorp
Classification: Uncertain significance. Last evaluated: 2022-09-01. Review status: criteria provided, single submitter. Criteria: Invitae Variant Classification Sherloc (09022015). Collection method: clinical testing. Allele origin: germline.
Comment: This sequence change replaces arginine, which is basic and polar, with cysteine, which is neutral and slightly polar, at codon 717 of the TTLL5 protein (p.Arg717Cys). This variant is present in population databases (rs562332993, gnomAD 0.03%). This variant has not been reported in the literature in individuals affected with TTLL5-related conditions. ClinVar contains an entry for this variant (Variation ID: 842763). Algorithms developed to predict the effect of missense changes on protein structure and function (SIFT, PolyPhen-2, Align-GVGD) all suggest that this variant is likely to be disruptive. In summary, the available evidence is currently insufficient to determine the role of this variant in disease. Therefore, it has been classified as a Variant of Uncertain Significance.

NM_015072.5(TTLL5):c.2149C>T (p.Arg717Cys)

Gene: TTLL5 (tubulin tyrosine ligase like 5; plus strand). Cytogenetic location: 14q24.3.
Variant type: single nucleotide variant.
Coding change: c.2149C>T on transcript NM_015072.5 (MANE Select); coding-DNA position 2149, C replaced by T.
Protein change: p.Arg717Cys; replaces arginine 717 with cysteine.
Molecular consequence: missense variant.
Genome position (GRCh38, 1-based): chr14:75,775,496, C>T. VCF-style: chr14-75775496-C-T. GRCh37 (hg19) VCF-style: chr14-76241839-C-T.
Other names: short protein forms R717C.
Identifiers: ClinVar variation 842763 (VCV000842763.7), dbSNP rs562332993, ClinGen allele CA7279630.